The following is an entry in ClinVar:

ClinVar aggregate classification (germline): Likely benign (1 of 4 stars; one submission).

Allele frequency attached by ClinVar (database versions not stated): gnomAD exomes 0.00006; ExAC 0.00007; ESP Exome Variant Server 0.00015; TOPMed 0.00022; gnomAD 0.00023 and 0.00026.
gnomAD v4.1: 47 of 1,020,728 alleles (0.0046%); highest among the groups gnomAD compares: African/African-American, 0.07%; no homozygotes.

Submission:

GeneDx
Classification: Likely benign. Last evaluated: 2021-10-23. Review status: criteria provided, single submitter. Criteria: GeneDx Variant Classification Process June 2021. Collection method: clinical testing. Allele origin: germline. Affected: yes.
Comment: See Variant Classification Assertion Criteria.

NM_006939.4(SOS2):c.2161+32T>C

Gene: SOS2 (SOS Ras/Rho guanine nucleotide exchange factor 2; minus strand). Cytogenetic location: 14q21.3.
Variant type: single nucleotide variant.
Coding change: c.2161+32T>C on transcript NM_006939.4 (MANE Select); 32 bases into the intron after coding-DNA position 2161, T replaced by C.
Molecular consequence: intron variant.
Genome position (GRCh38, 1-based): chr14:50,153,038, A>G on the plus strand (T>C on the coding strand, the complement: SOS2 is on the minus strand). VCF-style: chr14-50153038-A-G. GRCh37 (hg19) VCF-style: chr14-50619756-A-G.
Identifiers: ClinVar variation 1678823 (VCV001678823.2), dbSNP rs376292971, ClinGen allele CA7177115.
Genomic context (GRCh38, chr14:50,153,038, plus strand): 5'-AGAGAGAAATGTTTTAGTTTCTTAAAGTCACACAAATTTGAACATAAACTCATGTTCAAT[A>G]TAAGATTCAATCAAACCTTTATATAATATACCTCTTACACTTGAAATGAAGGATTCTAGT-3'